The following is an entry in ClinVar:

NM_007118.4(TRIO):c.7839C>T (p.His2613=)

Gene: TRIO (trio Rho guanine nucleotide exchange factor; plus strand). Cytogenetic location: 5p15.2.
Variant type: single nucleotide variant.
Coding change: c.7839C>T on transcript NM_007118.4 (MANE Select); coding-DNA position 7839, C replaced by T.
Protein change: p.His2613=; no amino-acid change (histidine 2613 retained).
Molecular consequence: synonymous variant. On other transcripts: non-coding transcript variant (1).
Genome position (GRCh38, 1-based): chr5:14,492,773, C>T. VCF-style: chr5-14492773-C-T. GRCh37 (hg19) VCF-style: chr5-14492882-C-T.
Identifiers: ClinVar variation 738081 (VCV000738081.28), dbSNP rs765530129, ClinGen allele CA3207623.

ClinVar aggregate classification (germline): Likely benign. Review status: criteria provided, multiple submitters, no conflicts (2 of 4 stars). 2 submissions from 2 submitters: Likely benign (2). Last evaluated 2022-07-01.

Allele frequency attached by ClinVar (database versions not stated): gnomAD exomes 0.00003 and 0.00004; gnomAD 0.00011 and 0.00013; TOPMed 0.00011; ExAC 0.00003.
gnomAD v4.1: 65 of 1,614,036 alleles (0.004%); highest among the groups gnomAD compares: Admixed American, 0.03%; no homozygotes.

Submissions (2):

CeGaT Center for Human Genetics Tuebingen
Classification: Likely benign. Last evaluated: 2022-07-01. Review status: criteria provided, single submitter. Criteria: CeGaT Center For Human Genetics Tuebingen Variant Classification Criteria Version 2. Collection method: clinical testing. Allele origin: germline. Affected: yes. Observed: 1 variant allele.
Comment: TRIO: BP4, BP7

Labcorp Genetics (formerly Invitae), Labcorp
Classification: Likely benign. Last evaluated: 2019-12-31. Review status: criteria provided, single submitter. Criteria: Invitae Variant Classification Sherloc (09022015). Collection method: clinical testing. Allele origin: germline.